The following is an entry in ClinVar:

ClinVar aggregate classification (germline): Uncertain significance (1 of 4 stars; one submission).

gnomAD v4.1: 2 of 1,247,116 alleles (0.00016%); highest among the groups gnomAD compares: Non-Finnish European, 0.0002%; no homozygotes.

Submission:

Women's Health and Genetics/Laboratory Corporation of America, LabCorp
Classification: Uncertain significance. Last evaluated: 2026-06-25. Review status: criteria provided, single submitter. Criteria: LabCorp Variant Classification Summary - May 2015. Collection method: clinical testing. Allele origin: germline.
Comment: Variant summary: PROK2 c.95G>C (p.Gly32Ala) results in a non-conservative amino acid change in the encoded protein sequence. Algorithms developed to predict the effect of missense changes on protein structure and function all suggest that this variant is likely to be disruptive. Consensus agreement among computation tools predict no significant impact on normal splicing. However, these predictions have yet to be confirmed by functional studies. The variant was absent in 7124 control chromosomes. The available data on variant occurrences in the general population are insufficient to allow any conclusion about variant significance. To our knowledge, no occurrence of c.95G>C in individuals affected with PROK2-related conditions and no experimental evidence demonstrating its impact on protein function have been reported. No submitters have cited clinical-significance assessments for this variant to ClinVar. Based on the evidence outlined above, the variant was classified as uncertain significance.

NM_001126128.2(PROK2):c.95G>C (p.Gly32Ala)

Gene: PROK2 (prokineticin 2; minus strand). Cytogenetic location: 3p13.
Variant type: single nucleotide variant.
Coding change: c.95G>C on transcript NM_001126128.2 (MANE Select); coding-DNA position 95, G replaced by C.
Protein change: p.Gly32Ala; replaces glycine 32 with alanine.
Molecular consequence: missense variant.
Genome position (GRCh38, 1-based): chr3:71,784,958, C>G on the plus strand (G>C on the coding strand, the complement: PROK2 is on the minus strand). VCF-style: chr3-71784958-C-G. GRCh37 (hg19) VCF-style: chr3-71834109-C-G.
Other names: c.95G>C, p.Gly32Ala (NM_021935.4); short protein forms G32A.
Identifiers: ClinVar variation 4887688 (VCV004887688.1).